The following is an entry in ClinVar:

ClinVar aggregate classification (germline): Benign/Likely benign. Review status: criteria provided, multiple submitters, no conflicts (2 of 4 stars). 4 submissions from 4 submitters: Benign (2); Likely benign (2). Last evaluated 2026-02-03.

Conditions:
Retinal dystrophy. Also called: Inherited retinal dystrophy. Identifiers: Orphanet 71862, MedGen C0854723, MeSH D058499, MONDO:0019118, HP:0000556.

Allele frequency attached by ClinVar (database versions not stated): ESP Exome Variant Server 0.00392; gnomAD 0.00398 and 0.00433; 1000 Genomes Project 30x 0.00453; 1000 Genomes Project 0.00459; TOPMed 0.00484; gnomAD exomes 0.00039 and 0.00104; ExAC 0.00129.
gnomAD v4.1: 1,201 of 1,614,070 alleles (0.074%); highest among the groups gnomAD compares: African/African-American, 1.3%; 5 homozygotes.

Submissions (4):

Labcorp Genetics (formerly Invitae), Labcorp
Classification: Benign. Last evaluated: 2026-02-03. Review status: criteria provided, single submitter. Criteria: Invitae Variant Classification Sherloc (09022015). Collection method: clinical testing. Allele origin: germline.

CeGaT Center for Human Genetics Tuebingen
Classification: Likely benign. Last evaluated: 2026-01-01. Review status: criteria provided, single submitter. Criteria: CeGaT Center For Human Genetics Tuebingen Variant Classification Criteria Version 2. Collection method: clinical testing. Allele origin: germline. Affected: yes. Observed: 1 variant allele.
Comment: EMC1: BP4, BS1

Blueprint Genetics
Classification: Likely benign. Last evaluated: 2024-09-09. Review status: criteria provided, single submitter. Criteria: ACMG Guidelines, 2015. Collection method: clinical testing. Allele origin: germline.

Dept Of Ophthalmology, Nagoya University
Classification: Benign for Retinal dystrophy. Last evaluated: 2023-10-01. Review status: criteria provided, single submitter. Criteria: Submitter's publication. Collection method: research. Allele origin: germline. Affected: yes.

NM_015047.3(EMC1):c.1169C>T (p.Thr390Met)

Genes: EMC1-AS1 (EMC1 antisense RNA 1; plus strand), EMC1 (ER membrane protein complex subunit 1; minus strand). Cytogenetic location: 1p36.13.
Variant type: single nucleotide variant.
Coding change: c.1169C>T on transcript NM_015047.3 (MANE Select); coding-DNA position 1169, C replaced by T.
Protein change: p.Thr390Met; replaces threonine 390 with methionine.
Molecular consequence: missense variant.
Genome position (GRCh38, 1-based): chr1:19,238,060, G>A on the plus strand (C>T on the coding strand, the complement: EMC1 is on the minus strand). VCF-style: chr1-19238060-G-A. GRCh37 (hg19) VCF-style: chr1-19564554-G-A.
Other names: c.1166C>T, p.Thr389Met (NM_001271427.2, NM_001375821.1); c.1169C>T, p.Thr390Met (NM_001271428.2, NM_001375820.1); c.1103C>T, p.Thr368Met (NM_001271429.2); short protein forms T389M, T368M, T390M.
Identifiers: ClinVar variation 772677 (VCV000772677.17), dbSNP rs144716849, ClinGen allele CA652646.
Genomic context (GRCh38, chr1:19,238,060, plus strand): 5'-GAAAGGCTCTGCCTTACCCGCTCAGGCCGAGTGCCGCTCTGTTCCAGGCTAAATGTTATC[G>A]TGGTGTCCAGCAGCCGCCGACCTGTCTCCACGAGGTATAGGTTAATGGTGTAGGTCTGAT-3'
Protein context (NP_055862.1, residues 380-400): VETGRRLLDT[Thr390Met]ITFSLEQSGT